The following is an entry in ClinVar:

NM_000465.4(BARD1):c.313A>T (p.Ile105Phe)

Gene: BARD1 (BRCA1 associated RING domain 1; minus strand). Cytogenetic location: 2q35.
Variant type: single nucleotide variant.
Coding change: c.313A>T on transcript NM_000465.4 (MANE Select); coding-DNA position 313, A replaced by T.
Protein change: p.Ile105Phe; replaces isoleucine 105 with phenylalanine.
Molecular consequence: missense variant. On other transcripts: non-coding transcript variant (1), intron variant (2).
Genome position (GRCh38, 1-based): chr2:214,792,348, T>A on the plus strand (A>T on the coding strand, the complement: BARD1 is on the minus strand). VCF-style: chr2-214792348-T-A. GRCh37 (hg19) VCF-style: chr2-215657072-T-A.
Other names: c.256A>T, p.Ile86Phe (NM_001282543.2); c.313A>T, p.Ile105Phe (NM_001282549.2); c.158+17064A>T (NM_001282548.2); c.215+4713A>T (NM_001282545.2); short protein forms I86F, I105F.
Identifiers: ClinVar variation 3479707 (VCV003479707.1).
Genomic context (GRCh38, chr2:214,792,348, plus strand): 5'-AGTTCTTACCTGACAGCTCATTGTCATGTAGCAAATTTCGAAGCTTACTACAAAGTTGAA[T>A]CATGCTGTCCAGTTGTCTATTTATCTTCAAGTCTTGTATCCAGGCCGGGGTGTAACACAC-3'
Protein context (NP_000456.2, residues 95-115): LKINRQLDSM[Ile105Phe]QLCSKLRNLL

ClinVar aggregate classification (germline): Uncertain significance (1 of 4 stars; one submission).

Conditions:
Hereditary cancer-predisposing syndrome. Also called: Tumor predisposition; Neoplastic Syndromes, Hereditary; Hereditary neoplastic syndrome; Hereditary Cancer Syndrome. Identifiers: Orphanet 140162, MedGen C0027672, MeSH D009386, MONDO:0015356.

Submission:

Ambry Genetics
Classification: Uncertain significance for Hereditary cancer-predisposing syndrome. Last evaluated: 2024-07-17. Review status: criteria provided, single submitter. Criteria: Ambry Variant Classification Scheme 2023. Collection method: clinical testing. Allele origin: germline.
Comment: The p.I105F variant (also known as c.313A>T), located in coding exon 3 of the BARD1 gene, results from an A to T substitution at nucleotide position 313. The isoleucine at codon 105 is replaced by phenylalanine, an amino acid with highly similar properties. This amino acid position is conserved. In addition, the in silico prediction for this alteration is inconclusive. Based on the available evidence, the clinical significance of this variant remains unclear.